The following is an entry in ClinVar:

ClinVar aggregate classification (germline): Likely benign (1 of 4 stars; one submission).

Allele frequency attached by ClinVar (database versions not stated): ESP Exome Variant Server 0.00015; gnomAD 0.00040; TOPMed 0.00042; gnomAD exomes 0.00046; ExAC 0.00060; 1000 Genomes Project 30x 0.00156; 1000 Genomes Project 0.00180.
gnomAD v4.1: 725 of 1,613,988 alleles (0.045%); highest among the groups gnomAD compares: East Asian, 0.9%; no homozygotes.

Submission:

CeGaT Center for Human Genetics Tuebingen
Classification: Likely benign. Last evaluated: 2022-03-01. Review status: criteria provided, single submitter. Criteria: CeGaT Center For Human Genetics Tuebingen Variant Classification Criteria Version 2. Collection method: clinical testing. Allele origin: germline. Affected: yes. Observed: 1 variant allele.
Comment: B4GALNT3: BP4, BP7

NM_173593.4(B4GALNT3):c.2178G>A (p.Ser726=)

Gene: B4GALNT3 (beta-1,4-N-acetyl-galactosaminyltransferase 3; plus strand). Cytogenetic location: 12p13.33.
Variant type: single nucleotide variant.
Coding change: c.2178G>A on transcript NM_173593.4 (MANE Select); coding-DNA position 2178, G replaced by A.
Protein change: p.Ser726=; no amino-acid change (serine 726 retained).
Molecular consequence: synonymous variant.
Genome position (GRCh38, 1-based): chr12:556,664, G>A. VCF-style: chr12-556664-G-A. GRCh37 (hg19) VCF-style: chr12-665830-G-A.
Identifiers: ClinVar variation 2642564 (VCV002642564.24), dbSNP rs146749190, ClinGen allele CA6381139.
Genomic context (GRCh38, chr12:556,664, plus strand): 5'-GGGTCGCTACCTCCTGGAGCTTGAACTGTTGGAACAAGGCCAGCGCGTGGTGCGGCTCTC[G>A]GAGTATGTGTCTGCACGAGGCTGGCAGGGCATCGATCCAGCTGGTGGGGAGGAGGTCGAG-3'
Protein context (NP_775864.3, residues 716-736): LEQGQRVVRL[Ser726=]EYVSARGWQG